The following is an entry in ClinVar:

NM_020975.6(RET):c.2487T>C (p.Ser829=)

Gene: RET (ret proto-oncogene; plus strand). Cytogenetic location: 10q11.21.
Variant type: single nucleotide variant.
Coding change: c.2487T>C on transcript NM_020975.6 (MANE Select); coding-DNA position 2487, T replaced by C.
Protein change: p.Ser829=; no amino-acid change (serine 829 retained).
Molecular consequence: synonymous variant.
Genome position (GRCh38, 1-based): chr10:43,119,625, T>C. VCF-style: chr10-43119625-T-C. GRCh37 (hg19) VCF-style: chr10-43615073-T-C.
Other names: c.2487T>C, p.Ser829= (NM_000323.2, NM_001406743.1, NM_001406744.1 and 4 more transcripts); c.1725T>C, p.Ser575= (NM_001355216.2); c.2358T>C, p.Ser786= (NM_001406761.1, NM_001406762.1, NM_001406764.1); c.2352T>C, p.Ser784= (NM_001406763.1, NM_001406765.1); c.2199T>C, p.Ser733= (NM_001406766.1, NM_001406767.1, NM_001406770.1); c.2223T>C, p.Ser741= (NM_001406768.1); c.2091T>C, p.Ser697= (NM_001406769.1, NM_001406772.1); c.2049T>C, p.Ser683= (NM_001406771.1, NM_001406773.1); and 10 more.
Identifiers: ClinVar variation 1136313 (VCV001136313.13), dbSNP rs2132946081, ClinGen allele CA469479934.

ClinVar aggregate classification (germline): Likely benign. Review status: criteria provided, multiple submitters, no conflicts (2 of 4 stars). 4 submissions from 4 submitters: Likely benign (4). Last evaluated 2025-02-05.

Conditions:
Multiple endocrine neoplasia, type 2 (MEN2). Identifiers: Orphanet 653, MedGen C4048306, MONDO:0019003. Disease mechanism: gain of function.
Multiple endocrine neoplasia type 2B. Also called: MUCOSAL NEUROMA SYNDROME; Multiple endocrine neoplasia, type 3; MULTIPLE ENDOCRINE NEOPLASIA, TYPE IIB; MEN IIB; NEUROMATA, MUCOSAL, WITH ENDOCRINE TUMORS; WAGENMANN-FROBOESE SYNDROME. Identifiers: Orphanet 247709, Orphanet 653, MedGen C0025269, MeSH D018814, MONDO:0008082, OMIM 162300.
Pheochromocytoma. Also called: MAX-Related Hereditary Paraganglioma-Pheochromocytoma Syndrome. Identifiers: Orphanet 29072, MedGen C0031511, MONDO:0008233, OMIM 171300, HP:0002666.
Familial medullary thyroid carcinoma (MTC). Also called: Thyroid cancer, familial medullary; MTC, familial; Familial Medullary Thyroid Carcinoma (FMTC). Identifiers: Orphanet 653, Orphanet 99361, MedGen C1833921, MONDO:0007958, OMIM 155240.
Hirschsprung disease, susceptibility to, 1 (HSCR1). Also called: RET-Related Hirschsprung Disease. Identifiers: Orphanet 388, MedGen C3888239, MONDO:0007723, OMIM 142623.
Multiple endocrine neoplasia type 2A. Also called: MULTIPLE ENDOCRINE NEOPLASIA, TYPE IIA; PTC SYNDROME; SIPPLE SYNDROME; MEN 2A; MEN-2A syndrome; Pheochromocytoma and amyloid producing medullary thyroid carcinoma. Identifiers: Orphanet 247698, Orphanet 653, MedGen C0025268, MeSH D018813, MONDO:0008234, OMIM 171400.
Hereditary cancer-predisposing syndrome. Also called: Neoplastic Syndromes, Hereditary; Tumor predisposition; Hereditary Cancer Syndrome; Hereditary neoplastic syndrome. Identifiers: Orphanet 140162, MedGen C0027672, MeSH D009386, MONDO:0015356.

Allele frequency attached by ClinVar (database versions not stated): gnomAD exomes below 0.00001.
gnomAD v4.1: 1 of 1,612,906 alleles (0.000062%); highest among the groups gnomAD compares: Non-Finnish European, 0.000085%; no homozygotes.

Submissions (4):

Labcorp Genetics (formerly Invitae), Labcorp
Classification: Likely benign for Multiple endocrine neoplasia, type 2. Last evaluated: 2025-02-05. Review status: criteria provided, single submitter. Criteria: Invitae Variant Classification Sherloc (09022015). Collection method: clinical testing. Allele origin: germline.

Ambry Genetics
Classification: Likely benign for Hereditary cancer-predisposing syndrome. Last evaluated: 2024-05-19. Review status: criteria provided, single submitter. Criteria: Ambry Variant Classification Scheme 2023. Collection method: clinical testing. Allele origin: germline.

All of Us Research Program, National Institutes of Health
Classification: Likely benign for Multiple endocrine neoplasia, type 2. Last evaluated: 2023-08-28. Review status: criteria provided, single submitter. Criteria: ACMG Guidelines, 2015. Collection method: clinical testing. Allele origin: germline. Inheritance: Autosomal dominant inheritance. Observed: 1 variant allele, 1 heterozygote.
Comment: This study involves interpretation of variants in research participants for the purpose of population health screening. Participant phenotype was not available at the time of variant classification. Additional details can be found in publication PMID: 35346344, PMCID: PMC8962531

Fulgent Genetics
Classification: Likely benign for Hirschsprung disease, susceptibility to, 1; Familial medullary thyroid carcinoma; Multiple endocrine neoplasia type 2B; Pheochromocytoma; Multiple endocrine neoplasia type 2A. Last evaluated: 2021-10-01. Review status: criteria provided, single submitter. Criteria: ACMG Guidelines, 2015. Collection method: clinical testing. Allele origin: unknown.